The following is an entry in ClinVar:

NM_002226.5(JAG2):c.2709+5G>A

Gene: JAG2 (jagged canonical Notch ligand 2; minus strand). Cytogenetic location: 14q32.33.
Variant type: single nucleotide variant.
Coding change: c.2709+5G>A on transcript NM_002226.5 (MANE Select); 5 bases into the intron after coding-DNA position 2709, G replaced by A.
Molecular consequence: intron variant.
Genome position (GRCh38, 1-based): chr14:105,146,380, C>T on the plus strand (G>A on the coding strand, the complement: JAG2 is on the minus strand). VCF-style: chr14-105146380-C-T. GRCh37 (hg19) VCF-style: chr14-105612717-C-T.
Other names: c.2595+5G>A (NM_145159.3).
Identifiers: ClinVar variation 4885801 (VCV004885801.2).

ClinVar aggregate classification (germline): Uncertain significance (1 of 4 stars; one submission).

gnomAD v4.1: 2 of 1,611,494 alleles (0.00012%); highest among the groups gnomAD compares: Non-Finnish European, 0.00017%; no homozygotes.

Submission:

Dasa
Classification: Uncertain significance. Last evaluated: 2025-11-10. Review status: criteria provided, single submitter. Criteria: DASA Assertion Criteria. Collection method: clinical testing. Allele origin: germline.
Comment: NM_002226.5(JAG2):c.2709+5G>A is a splice-region variant. This variant is rare in population databases. Computational prediction algorithms are consistent with a deleterious effect. The currently available literature and clinical evidence are not sufficient to establish a definitive association between this variant and the reported condition. Therefore, this variant is classified as a variant of uncertain significance.